The following is an entry in ClinVar:

NM_004637.6(RAB7A):c.21G>A (p.Val7=)

Gene: RAB7A (RAB7A, member RAS oncogene family; plus strand). Cytogenetic location: 3q21.3.
Variant type: single nucleotide variant.
Coding change: c.21G>A on transcript NM_004637.6 (MANE Select); coding-DNA position 21, G replaced by A.
Protein change: p.Val7=; no amino-acid change (valine 7 retained).
Molecular consequence: synonymous variant.
Genome position (GRCh38, 1-based): chr3:128,795,388, G>A. VCF-style: chr3-128795388-G-A. GRCh37 (hg19) VCF-style: chr3-128514231-G-A.
Identifiers: ClinVar variation 464094 (VCV000464094.19), dbSNP rs140857794, ClinGen allele CA2600754.

ClinVar aggregate classification (germline): Likely benign. Review status: criteria provided, multiple submitters, no conflicts (2 of 4 stars). 6 submissions from 6 submitters: Likely benign (5). 1 of the submissions does not count toward it. Last evaluated 2025-09-24.

Conditions:
Inborn genetic diseases. Identifiers: MedGen C0950123, MeSH D030342.
RAB7A-related disorder. Also called: RAB7A-related condition.
Charcot-Marie-Tooth disease. Also called: Charcot-Marie-Tooth Neuropathy; Charcot-Marie-Tooth Hereditary Neuropathy. Identifiers: Orphanet 166, MedGen C0007959, MONDO:0015626.
Charcot-Marie-Tooth disease type 2B (CMT2B). Also called: CHARCOT-MARIE-TOOTH DISEASE, AXONAL, TYPE 2B; CHARCOT-MARIE-TOOTH DISEASE, AUTOSOMAL DOMINANT, TYPE 2B; HEREDITARY MOTOR AND SENSORY NEUROPATHY IIB; Charcot-Marie-Tooth Neuropathy Type 2B. Identifiers: Orphanet 99936, MedGen C1833219, MONDO:0010949, OMIM 600882.

Allele frequency attached by ClinVar (database versions not stated): gnomAD 0.00001; ExAC 0.00005; gnomAD exomes 0.00006 and 0.00008; TOPMed 0.00006; ESP Exome Variant Server 0.00008.
gnomAD v4.1: 116 of 1,613,328 alleles (0.0072%); highest among the groups gnomAD compares: Non-Finnish European, 0.0092%; no homozygotes.

Submissions (6):

Labcorp Genetics (formerly Invitae), Labcorp
Classification: Likely benign for Charcot-Marie-Tooth disease type 2B. Last evaluated: 2025-09-24. Review status: criteria provided, single submitter. Criteria: Invitae Variant Classification Sherloc (09022015). Collection method: clinical testing. Allele origin: germline.

Ambry Genetics
Classification: Likely benign for Inborn genetic diseases. Last evaluated: 2019-07-11. Review status: criteria provided, single submitter. Criteria: Ambry Variant Classification Scheme 2023. Collection method: clinical testing. Allele origin: germline.

GeneDx
Classification: Likely benign. Last evaluated: 2019-01-31. Review status: criteria provided, single submitter. Criteria: GeneDx Variant Classification Process June 2021. Collection method: clinical testing. Allele origin: germline. Affected: yes.

Breakthrough Genomics
Classification: Likely benign. Review status: criteria provided, single submitter. Criteria: ACMG Guidelines, 2015. Collection method: not provided. Allele origin: germline. Inheritance: Autosomal dominant inheritance. Affected: yes.

Molecular Genetics Laboratory, London Health Sciences Centre
Classification: Likely benign for Charcot-Marie-Tooth disease. Review status: criteria provided, single submitter. Criteria: ACMG Guidelines, 2015. Collection method: clinical testing. Allele origin: germline. Affected: yes.

PreventionGenetics, part of Exact Sciences
Classification: Likely benign for RAB7A-related condition. Last evaluated: 2019-09-17. Review status: no assertion criteria provided. Collection method: clinical testing. Allele origin: germline. Not counted in ClinVar's aggregate classification.
Comment: This variant is classified as likely benign based on ACMG/AMP sequence variant interpretation guidelines (Richards et al. 2015 PMID: 25741868, with internal and published modifications).